The following is an entry in ClinVar:

ClinVar aggregate classification (germline): Uncertain significance. Review status: criteria provided, multiple submitters, no conflicts (2 of 4 stars). 2 submissions from 2 submitters: Uncertain significance (2). Last evaluated 2025-11-09.

Conditions:
RYR1-related disorder. Also called: RYR1-related condition; RYR1-related disorders. Identifiers: MedGen CN239331.
Malignant hyperthermia, susceptibility to, 1 (MHS1). Also called: Anesthesia related hyperthermia; Malignant hyperpyrexia; Fulminating hyperpyrexia; Pharmacogenic myopathy; RYR1-Related Malignant Hyperthermia Susceptibility; Malignant hyperthermia suceptibility 1. Identifiers: Orphanet 423, MedGen C2930980, MONDO:0007783, OMIM 145600.

Submissions (2):

Labcorp Genetics (formerly Invitae), Labcorp
Classification: Uncertain significance for RYR1-related disorder. Last evaluated: 2025-11-09. Review status: criteria provided, single submitter. Criteria: Invitae Variant Classification Sherloc (09022015). Collection method: clinical testing. Allele origin: germline.
Comment: This sequence change replaces leucine, which is neutral and non-polar, with proline, which is neutral and non-polar, at codon 1730 of the RYR1 protein (p.Leu1730Pro). This variant is not present in population databases (gnomAD no frequency). This variant has not been reported in the literature in individuals affected with RYR1-related conditions. ClinVar contains an entry for this variant (Variation ID: 3075003). Invitae Evidence Modeling of protein sequence and biophysical properties (such as structural, functional, and spatial information, amino acid conservation, physicochemical variation, residue mobility, and thermodynamic stability) indicates that this missense variant is not expected to disrupt RYR1 protein function with a negative predictive value of 80%. In summary, the available evidence is currently insufficient to determine the role of this variant in disease. Therefore, it has been classified as a Variant of Uncertain Significance.

All of Us Research Program, National Institutes of Health
Classification: Uncertain significance for Malignant hyperthermia, susceptibility to, 1. Last evaluated: 2024-01-11. Review status: criteria provided, single submitter. Criteria: ACMG Guidelines, 2015. Collection method: clinical testing. Allele origin: germline. Inheritance: Autosomal dominant inheritance. Observed: 1 variant allele, 1 heterozygote.
Comment: This study involves interpretation of variants in research participants for the purpose of population health screening. Participant phenotype was not available at the time of variant classification. Additional details can be found in publication PMID: 35346344, PMCID: PMC8962531

NM_000540.3(RYR1):c.5189T>C (p.Leu1730Pro)

Gene: RYR1 (ryanodine receptor 1; plus strand). Cytogenetic location: 19q13.2.
Variant type: single nucleotide variant.
Coding change: c.5189T>C on transcript NM_000540.3 (MANE Select); coding-DNA position 5189, T replaced by C.
Protein change: p.Leu1730Pro; replaces leucine 1730 with proline.
Molecular consequence: missense variant.
Genome position (GRCh38, 1-based): chr19:38,485,844, T>C. VCF-style: chr19-38485844-T-C. GRCh37 (hg19) VCF-style: chr19-38976484-T-C.
Other names: c.5189T>C, p.Leu1730Pro (NM_001042723.2); short protein forms L1730P.
Identifiers: ClinVar variation 3075003 (VCV003075003.2), dbSNP rs2514227859, ClinGen allele CA405654108.